The following is an entry in ClinVar:

NM_001813.3(CENPE):c.1932T>C (p.Leu644=)

Gene: CENPE (centromere protein E; minus strand). Cytogenetic location: 4q24.
Variant type: single nucleotide variant.
Coding change: c.1932T>C on transcript NM_001813.3 (MANE Select); coding-DNA position 1932, T replaced by C.
Protein change: p.Leu644=; no amino-acid change (leucine 644 retained).
Molecular consequence: synonymous variant.
Genome position (GRCh38, 1-based): chr4:103,161,368, A>G on the plus strand (T>C on the coding strand, the complement: CENPE is on the minus strand). VCF-style: chr4-103161368-A-G. GRCh37 (hg19) VCF-style: chr4-104082525-A-G.
Other names: c.1857T>C, p.Leu619= (NM_001286734.2).
Identifiers: ClinVar variation 2654987 (VCV002654987.24), dbSNP rs1754427890, ClinGen allele CA440811648.

ClinVar aggregate classification (germline): Likely benign (1 of 4 stars; one submission).

Allele frequency attached by ClinVar (database versions not stated): TOPMed below 0.00001.
gnomAD v4.1: 1 of 1,612,012 alleles (0.000062%); no homozygotes.

Submission:

CeGaT Center for Human Genetics Tuebingen
Classification: Likely benign. Last evaluated: 2022-06-01. Review status: criteria provided, single submitter. Criteria: CeGaT Center For Human Genetics Tuebingen Variant Classification Criteria Version 2. Collection method: clinical testing. Allele origin: germline. Affected: yes. Observed: 1 variant allele.
Comment: CENPE: PM2:Supporting, BP4, BP7